The following is an entry in ClinVar:

ClinVar aggregate classification (germline): Uncertain significance. Review status: criteria provided, multiple submitters, no conflicts (2 of 4 stars). 2 submissions from 2 submitters: Uncertain significance (2). Last evaluated 2025-09-24.

Conditions:
Lymphoproliferative syndrome 1 (LPFS1). Identifiers: Orphanet 238505, Orphanet 538963, MedGen C3552634, MONDO:0013081, OMIM 613011.
Inborn genetic diseases. Identifiers: MedGen C0950123, MeSH D030342.

Submissions (2):

Ambry Genetics
Classification: Uncertain significance for Inborn genetic diseases. Last evaluated: 2025-09-24. Review status: criteria provided, single submitter. Criteria: Ambry Variant Classification Scheme 2023. Collection method: clinical testing. Allele origin: germline.

Labcorp Genetics (formerly Invitae), Labcorp
Classification: Uncertain significance for Lymphoproliferative syndrome 1. Last evaluated: 2020-05-13. Review status: criteria provided, single submitter. Criteria: Invitae Variant Classification Sherloc (09022015). Collection method: clinical testing. Allele origin: germline.
Comment: This variant is not present in population databases (ExAC no frequency). This sequence change replaces tyrosine with cysteine at codon 180 of the ITK protein (p.Tyr180Cys). The tyrosine residue is highly conserved and there is a large physicochemical difference between tyrosine and cysteine. This variant has not been reported in the literature in individuals with ITK-related disease. In summary, the available evidence is currently insufficient to determine the role of this variant in disease. Therefore, it has been classified as a Variant of Uncertain Significance. Algorithms developed to predict the effect of missense changes on protein structure and function do not agree on the potential impact of this missense change (SIFT: "Deleterious"; PolyPhen-2: "Possibly Damaging"; Align-GVGD: "Class C15").

NM_005546.4(ITK):c.539A>G (p.Tyr180Cys)

Gene: ITK (IL2 inducible T cell kinase; plus strand). Cytogenetic location: 5q33.3.
Variant type: single nucleotide variant.
Coding change: c.539A>G on transcript NM_005546.4 (MANE Select); coding-DNA position 539, A replaced by G.
Protein change: p.Tyr180Cys; replaces tyrosine 180 with cysteine.
Molecular consequence: missense variant.
Genome position (GRCh38, 1-based): chr5:157,222,906, A>G. VCF-style: chr5-157222906-A-G. GRCh37 (hg19) VCF-style: chr5-156649916-A-G.
Other names: short protein forms Y180C.
Identifiers: ClinVar variation 579957 (VCV000579957.9), dbSNP rs1561657402, ClinGen allele CA361952978.